The following is an entry in ClinVar:

NM_015884.4(MBTPS2):c.67G>T (p.Val23Leu)

Genes: MBTPS2 (membrane bound transcription factor peptidase, site 2; plus strand), LOC130068039 (ATAC-STARR-seq lymphoblastoid active region 29486; plus strand). Cytogenetic location: Xp22.12.
Variant type: single nucleotide variant.
Coding change: c.67G>T on transcript NM_015884.4 (MANE Select); coding-DNA position 67, G replaced by T.
Protein change: p.Val23Leu; replaces valine 23 with leucine.
Molecular consequence: missense variant.
Genome position (GRCh38, 1-based): chrX:21,839,801, G>T. VCF-style: chrX-21839801-G-T. GRCh37 (hg19) VCF-style: chrX-21857919-G-T.
Other names: short protein forms V23L.
Identifiers: ClinVar variation 2099013 (VCV002099013.4), dbSNP rs1287649948, ClinGen allele CA412561312.
Genomic context (GRCh38, chrX:21,839,801, plus strand): 5'-CCGGTGTCGCTGGTGGTGGTGGTGGTGGGTGGCTGGACTGTCGTCTACCTGACCGACTTG[G>T]TGCTGAAGGTGAGGGCCTTGGGCCTAAGGTCCAAGCCCGCGGTGCCCATGGCCGGAGCGC-3'
Protein context (NP_056968.1, residues 13-33): GWTVVYLTDL[Val23Leu]LKSSVYFKHS

ClinVar aggregate classification (germline): Uncertain significance (1 of 4 stars; one submission).

Submission:

Labcorp Genetics (formerly Invitae), Labcorp
Classification: Uncertain significance. Last evaluated: 2022-02-18. Review status: criteria provided, single submitter. Criteria: Invitae Variant Classification Sherloc (09022015). Collection method: clinical testing. Allele origin: germline.
Comment: This sequence change replaces valine, which is neutral and non-polar, with leucine, which is neutral and non-polar, at codon 23 of the MBTPS2 protein (p.Val23Leu). In summary, the available evidence is currently insufficient to determine the role of this variant in disease. Therefore, it has been classified as a Variant of Uncertain Significance. Algorithms developed to predict the effect of missense changes on protein structure and function output the following: SIFT: "Tolerated"; PolyPhen-2: "Benign"; Align-GVGD: "Class C0". The leucine amino acid residue is found in multiple mammalian species, which suggests that this missense change does not adversely affect protein function. This variant has not been reported in the literature in individuals affected with MBTPS2-related conditions. This variant is not present in population databases (gnomAD no frequency).